The following is an entry in ClinVar:

NM_001401681.1(TAF11L8):c.255C>T (p.Thr85=)

Gene: TAF11L8 (TATA-box binding protein associated factor 11 like 8; minus strand). Cytogenetic location: 5p15.1.
Variant type: single nucleotide variant.
Coding change: c.255C>T on transcript NM_001401681.1 (MANE Select); coding-DNA position 255, C replaced by T.
Protein change: p.Thr85=; no amino-acid change (threonine 85 retained).
Molecular consequence: synonymous variant.
Genome position (GRCh38, 1-based): chr5:17,590,706, G>A on the plus strand (C>T on the coding strand, the complement: TAF11L8 is on the minus strand). VCF-style: chr5-17590706-G-A. GRCh37 (hg19) VCF-style: chr5-17590815-G-A.
Identifiers: ClinVar variation 2655371 (VCV002655371.24), dbSNP rs1372538528, ClinGen allele CA443463571.

ClinVar aggregate classification (germline): Likely benign (1 of 4 stars; one submission).

Submission:

CeGaT Center for Human Genetics Tuebingen
Classification: Likely benign. Last evaluated: 2023-01-01. Review status: criteria provided, single submitter. Criteria: CeGaT Center For Human Genetics Tuebingen Variant Classification Criteria Version 2. Collection method: clinical testing. Allele origin: germline. Affected: yes. Observed: 1 variant allele.
Comment: TAF11L8: BP4, BP7